The following is an entry in ClinVar:

ClinVar aggregate classification (germline): Uncertain significance (1 of 4 stars; one submission).

Submission:

Labcorp Genetics (formerly Invitae), Labcorp
Classification: Uncertain significance. Last evaluated: 2022-08-23. Review status: criteria provided, single submitter. Criteria: Invitae Variant Classification Sherloc (09022015). Collection method: clinical testing. Allele origin: germline.
Comment: In summary, the available evidence is currently insufficient to determine the role of this variant in disease. Therefore, it has been classified as a Variant of Uncertain Significance. This sequence change replaces leucine, which is neutral and non-polar, with phenylalanine, which is neutral and non-polar, at codon 409 of the RASGRP1 protein (p.Leu409Phe). This variant is not present in population databases (gnomAD no frequency). This variant has not been reported in the literature in individuals affected with RASGRP1-related conditions. Algorithms developed to predict the effect of missense changes on protein structure and function are either unavailable or do not agree on the potential impact of this missense change (SIFT: "Deleterious"; PolyPhen-2: "Probably Damaging"; Align-GVGD: "Class C15").

NM_005739.4(RASGRP1):c.1227G>C (p.Leu409Phe)

Gene: RASGRP1 (RAS guanyl releasing protein 1; minus strand). Cytogenetic location: 15q14.
Variant type: single nucleotide variant.
Coding change: c.1227G>C on transcript NM_005739.4 (MANE Select); coding-DNA position 1227, G replaced by C.
Protein change: p.Leu409Phe; replaces leucine 409 with phenylalanine.
Molecular consequence: missense variant.
Genome position (GRCh38, 1-based): chr15:38,507,741, C>G on the plus strand (G>C on the coding strand, the complement: RASGRP1 is on the minus strand). VCF-style: chr15-38507741-C-G. GRCh37 (hg19) VCF-style: chr15-38799942-C-G.
Other names: c.1227G>C, p.Leu409Phe (NM_001128602.2, NM_001306086.2); short protein forms L409F.
Identifiers: ClinVar variation 2094615 (VCV002094615.4), dbSNP rs183475978, ClinGen allele CA391665877.